The following is an entry in ClinVar:

ClinVar aggregate classification (germline): Pathogenic. Review status: criteria provided, multiple submitters, no conflicts (2 of 4 stars). 6 submissions from 6 submitters: Pathogenic (5). 1 of the submissions does not count toward it. Last evaluated 2026-07-30.

Conditions:
FTL-related disorder. Also called: FTL-related condition.
Neuroferritinopathy (NBIA3). Also called: NEURODEGENERATION WITH BRAIN IRON ACCUMULATION 3; BASAL GANGLIA DISEASE, ADULT-ONSET. Identifiers: Orphanet 157846, MedGen C1853578, MONDO:0011638, OMIM 606159.
Hereditary hyperferritinemia with congenital cataracts. Also called: Hereditary hyperferritinemia cataract syndrome; Bonneau-Beaumont syndrome; HYPERFERRITINEMIA WITH OR WITHOUT CATARACT. Identifiers: Orphanet 163, MedGen C1833213, MONDO:0010952, OMIM 600886.
FTL-related disorders.

Submissions (6):

PreventionGenetics, part of Exact Sciences
Classification: Pathogenic for FTL-related condition. Last evaluated: 2026-07-30. Review status: criteria provided, single submitter. Criteria: ACMG Guidelines, 2015. Collection method: clinical testing. Allele origin: germline.
Comment: The FTL c.-168G>T variant is located in the 5' untranslated region. This variant has been reported in many individuals with autosomal dominant hyperferritinemia-cataract syndrome (Martin et al. 1998. PubMed ID: 9414300; Bennett et al. 2013. PubMed ID: 23592921; Cosentino et al. 2016. PubMed ID: 26849797). This variant occurs in the iron-responsive-element (IRE) of the FTL gene and distorts the loop structure, which disrupts binding with iron regulatory proteins and results in unregulated production of L-ferritin (Allerson et al. 1999. PubMed ID: 10473603; Brooks et al. 2002. PubMed ID: 11923255; Cosentino et al. 2016. PubMed ID: 26849797). This variant is absent in a large population database (gnomAD), indicating this variant is rare. This variant is interpreted as pathogenic.

Labcorp Genetics (formerly Invitae), Labcorp
Classification: Pathogenic for Neuroferritinopathy; Hereditary hyperferritinemia with congenital cataracts. Last evaluated: 2025-08-09. Review status: criteria provided, single submitter. Criteria: Invitae Variant Classification Sherloc (09022015). Collection method: clinical testing. Allele origin: germline.
Comment: This variant occurs in a non-coding region of the FTL gene. It does not change the encoded amino acid sequence of the FTL protein. This variant is not present in population databases (gnomAD no frequency). This variant has been observed in individual(s) with hyperferritinemia and cataracts syndrome (PMID: 9414300, 14662596, 23592921, 26849797). In at least one individual the variant was observed to be de novo. It has also been observed to segregate with disease in related individuals. This variant is also known as +32G>T. ClinVar contains an entry for this variant (Variation ID: 16479). Studies have shown that this variant alters FTL gene expression (PMID: 9414300). For these reasons, this variant has been classified as Pathogenic.

GeneDx
Classification: Pathogenic. Last evaluated: 2025-01-13. Review status: criteria provided, single submitter. Criteria: GeneDx Variant Classification Process June 2021. Collection method: clinical testing. Allele origin: germline. Affected: yes.
Comment: Published functional studies suggest a damaging effect on protein-binding affinity of the iron-responsive element of the L ferritin gene (PMID: 9414300); Also known as +32 G>T; No data available from control populations to assess the frequency of this variant; This variant is associated with the following publications: (PMID: 23592921, 26849797, 31211687, 11703332, 15861269, 35052368, 23421845, 21907119, 38869770, 37745687, Rank2015[CaseReport], 29737619, 22881709, 9414300, 14662596)

Blueprint Genetics
Classification: Pathogenic for FTL-related disorders. Last evaluated: 2024-07-01. Review status: criteria provided, single submitter. Criteria: ACMG Guidelines, 2015. Collection method: clinical testing. Allele origin: germline. Affected: yes. Observed: 5 variant alleles.

CeGaT Center for Human Genetics Tuebingen
Classification: Pathogenic. Last evaluated: 2017-11-01. Review status: criteria provided, single submitter. Criteria: CeGaT Center For Human Genetics Tuebingen Variant Classification Criteria Version 2. Collection method: clinical testing. Allele origin: germline. Affected: yes. Observed: 1 variant allele.

OMIM
Classification: Pathogenic for HYPERFERRITINEMIA WITH OR WITHOUT CATARACT. Last evaluated: 2013-02-19. Review status: no assertion criteria provided. Collection method: literature only. Allele origin: germline. Not counted in ClinVar's aggregate classification.

Literature cited by the submitters: PubMed 9414300 (cited by Labcorp Genetics (formerly Invitae), Labcorp and OMIM); PubMed 14662596 (cited by Labcorp Genetics (formerly Invitae), Labcorp); PubMed 23592921 (cited by Labcorp Genetics (formerly Invitae), Labcorp); PubMed 26849797 (cited by Labcorp Genetics (formerly Invitae), Labcorp); PubMed 23421845 (cited by OMIM); PubMed 21907119 (cited by OMIM).

NM_000146.4(FTL):c.-168G>T

Gene: FTL (ferritin light chain; plus strand). Cytogenetic location: 19q13.33.
Variant type: single nucleotide variant.
Coding change: c.-168G>T on transcript NM_000146.4 (MANE Select); 168 bases upstream of the start codon, G replaced by T.
Molecular consequence: 5 prime UTR variant.
Genome position (GRCh38, 1-based): chr19:48,965,340, G>T. VCF-style: chr19-48965340-G-T. GRCh37 (hg19) VCF-style: chr19-49468597-G-T.
Other names: -168G-T.
Identifiers: ClinVar variation 16479 (VCV000016479.52), dbSNP rs398124635, ClinGen allele CA126554.